The following is an entry in ClinVar:

NM_152296.5(ATP1A3):c.1903G>A (p.Ala635Thr)

Gene: ATP1A3 (ATPase Na+/K+ transporting subunit alpha 3; minus strand). Cytogenetic location: 19q13.2.
Variant type: single nucleotide variant.
Coding change: c.1903G>A on transcript NM_152296.5 (MANE Select); coding-DNA position 1903, G replaced by A.
Protein change: p.Ala635Thr; replaces alanine 635 with threonine.
Molecular consequence: missense variant.
Genome position (GRCh38, 1-based): chr19:41,977,976, C>T on the plus strand (G>A on the coding strand, the complement: ATP1A3 is on the minus strand). VCF-style: chr19-41977976-C-T. GRCh37 (hg19) VCF-style: chr19-42482128-C-T.
Other names: c.1936G>A, p.Ala646Thr (NM_001256213.2); c.1942G>A, p.Ala648Thr (NM_001256214.2); short protein forms A635T, A646T, A648T.
Identifiers: ClinVar variation 2580478 (VCV002580478.1), dbSNP rs782514564, ClinGen allele CA9467543.

ClinVar aggregate classification (germline): Uncertain significance (1 of 4 stars; one submission).

Allele frequency attached by ClinVar (database versions not stated): gnomAD exomes below 0.00001; ExAC 0.00001.
gnomAD v4.1: 6 of 1,614,244 alleles (0.00037%); highest among the groups gnomAD compares: East Asian, 0.0022%; no homozygotes.

Submission:

GeneDx
Classification: Uncertain significance. Last evaluated: 2023-03-19. Review status: criteria provided, single submitter. Criteria: GeneDx Variant Classification Process June 2021. Collection method: clinical testing. Allele origin: germline. Affected: yes.
Comment: Not observed at significant frequency in large population cohorts (gnomAD); In silico analysis supports that this missense variant has a deleterious effect on protein structure/function; Has not been previously published as pathogenic or benign to our knowledge